The following is an entry in ClinVar:

NM_001367823.1(ARHGEF18):c.1124T>G (p.Met375Arg)

Gene: ARHGEF18 (Rho/Rac guanine nucleotide exchange factor 18; plus strand). Cytogenetic location: 19p13.2.
Variant type: single nucleotide variant.
Coding change: c.1124T>G on transcript NM_001367823.1 (MANE Select); coding-DNA position 1124, T replaced by G.
Protein change: p.Met375Arg; replaces methionine 375 with arginine.
Molecular consequence: missense variant.
Genome position (GRCh38, 1-based): chr19:7,441,670, T>G. VCF-style: chr19-7441670-T-G. GRCh37 (hg19) VCF-style: chr19-7506556-T-G.
Other names: c.398T>G, p.Met133Arg (NM_001130955.2); c.86T>G, p.Met29Arg (NM_001367824.1, NM_015318.4); short protein forms M133R, M29R, M375R.
Identifiers: ClinVar variation 4845430 (VCV004845430.1).

ClinVar aggregate classification (germline): Uncertain significance (1 of 4 stars; one submission).

Submission:

Greenwood Genetic Center Diagnostic Laboratories, Greenwood Genetic Center
Classification: Uncertain significance. Last evaluated: 2025-10-29. Review status: criteria provided, single submitter. Criteria: ACMG Guidelines, 2015. Collection method: clinical testing. Allele origin: germline. Affected: yes.
Comment: Gene of Uncertain Significance